The following is an entry in ClinVar:

NM_005546.4(ITK):c.725A>G (p.Lys242Arg)

Gene: ITK (IL2 inducible T cell kinase; plus strand). Cytogenetic location: 5q33.3.
Variant type: single nucleotide variant.
Coding change: c.725A>G on transcript NM_005546.4 (MANE Select); coding-DNA position 725, A replaced by G.
Protein change: p.Lys242Arg; replaces lysine 242 with arginine.
Molecular consequence: missense variant.
Genome position (GRCh38, 1-based): chr5:157,232,351, A>G. VCF-style: chr5-157232351-A-G. GRCh37 (hg19) VCF-style: chr5-156659361-A-G.
Other names: short protein forms K242R.
Identifiers: ClinVar variation 540356 (VCV000540356.1), dbSNP rs761513530, ClinGen allele CA3532873.
Genomic context (GRCh38, chr5:157,232,351, plus strand): 5'-ATGAAACTTTAAAATATGTCATTGACATATGACTTTTCCTTGCTTTCAGGTGGTACAATA[A>G]GAGTATCAGCCGAGACAAAGCTGAAAAACTTCTTTTGGACACAGTAAGTCTCCTTAACCT-3'
Protein context (NP_005537.3, residues 232-252): NNLETYEWYN[Lys242Arg]SISRDKAEKL

ClinVar aggregate classification (germline): Uncertain significance (1 of 4 stars; one submission).

Conditions:
Lymphoproliferative syndrome 1 (LPFS1). Identifiers: Orphanet 238505, Orphanet 538963, MedGen C3552634, MONDO:0013081, OMIM 613011.

Allele frequency attached by ClinVar (database versions not stated): gnomAD exomes 0.00001 and 0.00002; TOPMed 0.00001; gnomAD 0.00002; ExAC 0.00005.
gnomAD v4.1: 10 of 1,610,426 alleles (0.00062%); highest among the groups gnomAD compares: Admixed American, 0.0017%; no homozygotes.

Submission:

Labcorp Genetics (formerly Invitae), Labcorp
Classification: Uncertain significance for Lymphoproliferative syndrome 1. Last evaluated: 2017-12-29. Review status: criteria provided, single submitter. Criteria: Invitae Variant Classification Sherloc (09022015). Collection method: clinical testing. Allele origin: germline.
Comment: This sequence change replaces lysine with arginine at codon 242 of the ITK protein (p.Lys242Arg). The lysine residue is highly conserved and there is a small physicochemical difference between lysine and arginine. This variant is present in population databases (rs761513530, ExAC 0.01%). This variant has not been reported in the literature in individuals with ITK-related disease. Algorithms developed to predict the effect of missense changes on protein structure and function (SIFT, PolyPhen-2, Align-GVGD) all suggest that this variant is likely to be tolerated, but these predictions have not been confirmed by published functional studies and their clinical significance is uncertain. In summary, the available evidence is currently insufficient to determine the role of this variant in disease. Therefore, it has been classified as a Variant of Uncertain Significance.